The following is an entry in ClinVar:

NM_000046.5(ARSB):c.438G>A (p.Trp146Ter)

Gene: ARSB (arylsulfatase B; minus strand). Cytogenetic location: 5q14.1.
Variant type: single nucleotide variant.
Coding change: c.438G>A on transcript NM_000046.5 (MANE Select); coding-DNA position 438, G replaced by A.
Protein change: p.Trp146Ter; replaces tryptophan 146 with a stop codon.
Molecular consequence: nonsense.
Genome position (GRCh38, 1-based): chr5:78,969,067, C>T on the plus strand (G>A on the coding strand, the complement: ARSB is on the minus strand). VCF-style: chr5-78969067-C-T. GRCh37 (hg19) VCF-style: chr5-78264890-C-T.
Other names: c.438G>A, p.Trp146Ter (NM_198709.3); short protein forms W146*.
Identifiers: ClinVar variation 559787 (VCV000559787.10), dbSNP rs757061042, ClinGen allele CA121107823.

ClinVar aggregate classification (germline): Pathogenic/Likely pathogenic. Review status: criteria provided, multiple submitters, no conflicts (2 of 4 stars). 4 submissions from 4 submitters: Pathogenic (3); Likely pathogenic (1). Last evaluated 2025-12-22.

Conditions:
Mucopolysaccharidosis type 6 (MPS6). Also called: N-ACETYLGALACTOSAMINE-4-SULFATASE DEFICIENCY; MPS VI; MPS 6; Maroteaux Lamy syndrome; ARSB DEFICIENCY; ARYLSULFATASE B DEFICIENCY. Identifiers: Orphanet 583, MedGen C0026709, MONDO:0009661, OMIM 253200.

Allele frequency attached by ClinVar (database versions not stated): gnomAD exomes below 0.00001; TOPMed 0.00001.
gnomAD v4.1: 1 of 1,614,160 alleles (0.000062%); highest among the groups gnomAD compares: Non-Finnish European, 0.000085%; no homozygotes.

Submissions (4):

Labcorp Genetics (formerly Invitae), Labcorp
Classification: Pathogenic for Mucopolysaccharidosis type 6. Last evaluated: 2025-12-22. Review status: criteria provided, single submitter. Criteria: Invitae Variant Classification Sherloc (09022015). Collection method: clinical testing. Allele origin: germline.
Comment: This sequence change creates a premature translational stop signal (p.Trp146*) in the ARSB gene. It is expected to result in an absent or disrupted protein product. Loss-of-function variants in ARSB are known to be pathogenic (PMID: 17458871, 22133300). This variant is present in population databases (rs757061042, gnomAD 0.0009%). This premature translational stop signal has been observed in individual(s) with mucopolysaccharidosis type VI (PMID: 17458871). ClinVar contains an entry for this variant (Variation ID: 559787). For these reasons, this variant has been classified as Pathogenic.

Baylor Genetics
Classification: Pathogenic for Mucopolysaccharidosis type 6. Last evaluated: 2023-09-14. Review status: criteria provided, single submitter. Criteria: ACMG Guidelines, 2015. Collection method: clinical testing. Allele origin: unknown.

Women's Health and Genetics/Laboratory Corporation of America, LabCorp
Classification: Pathogenic for Mucopolysaccharidosis type 6. Last evaluated: 2020-10-12. Review status: criteria provided, single submitter. Criteria: LabCorp Variant Classification Summary - May 2015. Collection method: clinical testing. Allele origin: germline.
Comment: Variant summary: ARSB c.438G>A (p.Trp146X) results in a premature termination codon, predicted to cause a truncation of the encoded protein or absence of the protein due to nonsense mediated decay, which are commonly known mechanisms for disease. Truncations downstream of this position have been classified as pathogenic by our laboratory. The variant allele was found at a frequency of 4e-06 in 251470 control chromosomes. c.438G>A has been reported in the literature in individuals affected with Mucopolysaccharidosis Type VI (Maroteaux-Lamy Syndrome) (example, Karageorgos_2007, Thumler_2012, Tomanin_2018). These data indicate that the variant is likely to be associated with disease. To our knowledge, no experimental evidence demonstrating an impact on protein function has been reported. One clinical diagnostic laboratory has submitted clinical-significance assessments for this variant to ClinVar after 2014 without evidence for independent evaluation and classified the variant as likely pathogenic. Based on the evidence outlined above, the variant was classified as pathogenic.

Laboratory of Diagnosis and Therapy of Lysosomal Disorders, University of Padova
Classification: Likely pathogenic for Mucopolysaccharidosis type 6. Last evaluated: 2018-01-01. Review status: criteria provided, single submitter. Criteria: ACMG Guidelines, 2015. Collection method: curation. Allele origin: germline. Affected: yes.
Comment: Nonsense variant (PVS1); Very low frequency in ExAc (PM2)

Literature cited by the submitters: PubMed 17458871 (cited by 3 submitters); PubMed 22133300 (cited by Labcorp Genetics (formerly Invitae), Labcorp); PubMed 30118150 (cited by Women's Health and Genetics/Laboratory Corporation of America, LabCorp and Laboratory of Diagnosis and Therapy of Lysosomal Disorders, University of Padova); PubMed 22441840 (cited by Women's Health and Genetics/Laboratory Corporation of America, LabCorp and Laboratory of Diagnosis and Therapy of Lysosomal Disorders, University of Padova); PubMed 10923267 (cited by Laboratory of Diagnosis and Therapy of Lysosomal Disorders, University of Padova).